The following is an entry in ClinVar:

ClinVar aggregate classification (germline): Benign/Likely benign. Review status: criteria provided, multiple submitters, no conflicts (2 of 4 stars). 10 submissions from 10 submitters: Benign (2); Likely benign (7). 1 of the submissions does not count toward it. Last evaluated 2026-03-27.

Conditions:
Cardiovascular phenotype. Identifiers: MedGen CN230736.
ALPK3-related disorder. Also called: ALPK3-related condition.
Cardiomyopathy, familial hypertrophic 27. Identifiers: MedGen C4748014, MONDO:0054838, OMIM 618052.

Allele frequency attached by ClinVar (database versions not stated): gnomAD exomes 0.00064; ExAC 0.00084; gnomAD 0.00261 and 0.00271; TOPMed 0.00278; ESP Exome Variant Server 0.00308; 1000 Genomes Project 0.00359; 1000 Genomes Project 30x 0.00375.
gnomAD v4.1: 828 of 1,610,542 alleles (0.051%); highest among the groups gnomAD compares: African/African-American, 0.93%; 7 homozygotes.

Submissions (10):

Molecular Diagnostic Laboratory for Inherited Cardiovascular Disease, Montreal Heart Institute
Classification: Likely benign. Last evaluated: 2026-03-27. Review status: criteria provided, single submitter. Criteria: ACMG Guidelines, 2015. Collection method: clinical testing. Allele origin: germline. Affected: no.
Comment: BS1;BP6;BP7

Labcorp Genetics (formerly Invitae), Labcorp
Classification: Benign. Last evaluated: 2026-02-01. Review status: criteria provided, single submitter. Criteria: Invitae Variant Classification Sherloc (09022015). Collection method: clinical testing. Allele origin: germline.

Mayo Clinic Laboratories, Mayo Clinic
Classification: Likely benign. Last evaluated: 2025-06-21. Review status: criteria provided, single submitter. Criteria: ACMG Guidelines, 2015. Collection method: clinical testing. Allele origin: germline. Observed: 3 variant alleles.
Comment: BS2, BP4, BP7

ARUP Laboratories, Molecular Genetics and Genomics, ARUP Laboratories
Classification: Likely benign for Cardiomyopathy, familial hypertrophic 27. Last evaluated: 2025-04-21. Review status: criteria provided, single submitter. Criteria: ARUP Molecular Germline Variant Investigation Process 2024. Collection method: clinical testing. Allele origin: germline.

Women's Health and Genetics/Laboratory Corporation of America, LabCorp
Classification: Likely benign. Last evaluated: 2025-03-07. Review status: criteria provided, single submitter. Criteria: LabCorp Variant Classification Summary - May 2015. Collection method: clinical testing. Allele origin: germline.

Blueprint Genetics
Classification: Likely benign. Last evaluated: 2024-06-27. Review status: criteria provided, single submitter. Criteria: ACMG Guidelines, 2015. Collection method: clinical testing. Allele origin: germline.

GeneDx
Classification: Likely benign. Last evaluated: 2021-02-02. Review status: criteria provided, single submitter. Criteria: GeneDx Variant Classification Process June 2021. Collection method: clinical testing. Allele origin: germline. Affected: yes.

Ambry Genetics
Classification: Benign for Cardiovascular phenotype. Last evaluated: 2019-03-08. Review status: criteria provided, single submitter. Criteria: Ambry Variant Classification Scheme 2023. Collection method: clinical testing. Allele origin: germline.

Breakthrough Genomics
Classification: Likely benign. Review status: criteria provided, single submitter. Criteria: ACMG Guidelines, 2015. Collection method: not provided. Allele origin: germline. Inheritance: Autosomal recessive inheritance. Affected: yes.

PreventionGenetics, part of Exact Sciences
Classification: Likely benign for ALPK3-related condition. Last evaluated: 2019-04-11. Review status: no assertion criteria provided. Collection method: clinical testing. Allele origin: germline. Not counted in ClinVar's aggregate classification.
Comment: This variant is classified as likely benign based on ACMG/AMP sequence variant interpretation guidelines (Richards et al. 2015 PMID: 25741868, with internal and published modifications).

NM_020778.5(ALPK3):c.5091G>A (p.Glu1697=)

Gene: ALPK3 (alpha kinase 3; plus strand). Cytogenetic location: 15q25.3.
Variant type: single nucleotide variant.
Coding change: c.5091G>A on transcript NM_020778.5 (MANE Select); coding-DNA position 5091, G replaced by A.
Protein change: p.Glu1697=; no amino-acid change (glutamic acid 1697 retained).
Molecular consequence: synonymous variant.
Genome position (GRCh38, 1-based): chr15:84,868,429, G>A. VCF-style: chr15-84868429-G-A. GRCh37 (hg19) VCF-style: chr15-85411660-G-A.
Other names: p.Glu1899=.
Identifiers: ClinVar variation 509688 (VCV000509688.22), dbSNP rs116608834, ClinGen allele CA7710156.